The following is an entry in ClinVar:

ClinVar aggregate classification (germline): Likely pathogenic. Review status: criteria provided, multiple submitters, no conflicts (2 of 4 stars). 2 submissions from 2 submitters: Likely pathogenic (2). Last evaluated 2025-03-22.

Conditions:
Autosomal recessive early-onset Parkinson disease 6 (PARK6). Also called: PARKINSON DISEASE 6, MODIFIER OF; PINK1 Type of Young-Onset Parkinson Disease; PARKINSON DISEASE 6, EARLY-ONSET; PINK1-Related Parkinson Disease. Identifiers: Orphanet 2828, MedGen C1853833, MONDO:0011613, OMIM 605909.

Submissions (2):

Labcorp Genetics (formerly Invitae), Labcorp
Classification: Likely pathogenic for Autosomal recessive early-onset Parkinson disease 6. Last evaluated: 2025-03-22. Review status: criteria provided, single submitter. Criteria: Invitae Variant Classification Sherloc (09022015). Collection method: clinical testing. Allele origin: germline.
Comment: This variant results in the deletion of part of exon 7 (c.1252-2_1272del) of the PINK1 gene. It is expected to disrupt RNA splicing. Variants that disrupt the donor or acceptor splice site typically lead to a loss of protein function (PMID: 16199547), and loss-of-function variants in PINK1 are known to be pathogenic (PMID: 15087508, 15349870). This variant is present in population databases (rs748860758, gnomAD 0.003%). This variant has not been reported in the literature in individuals affected with PINK1-related conditions. ClinVar contains an entry for this variant (Variation ID: 2742308). In summary, the currently available evidence indicates that the variant is pathogenic, but additional data are needed to prove that conclusively. Therefore, this variant has been classified as Likely Pathogenic.

Fulgent Genetics
Classification: Likely pathogenic for Autosomal recessive early-onset Parkinson disease 6. Last evaluated: 2024-06-14. Review status: criteria provided, single submitter. Criteria: ACMG Guidelines, 2015. Collection method: clinical testing. Allele origin: germline.

Literature cited by the submitters: PubMed 16199547 (cited by Labcorp Genetics (formerly Invitae), Labcorp); PubMed 15087508 (cited by Labcorp Genetics (formerly Invitae), Labcorp); PubMed 15349870 (cited by Labcorp Genetics (formerly Invitae), Labcorp).

NM_032409.3(PINK1):c.1252-2_1272del

Genes: PINK1 (PTEN induced kinase 1; plus strand), PINK1-AS (PINK1 antisense RNA; minus strand). Cytogenetic location: 1p36.12.
Variant type: Deletion.
Coding change: c.1252-2_1272del on transcript NM_032409.3 (MANE Select); the canonical splice acceptor site of the intron before coding-DNA position 1252 through coding-DNA position 1272, 23 bases deleted (AGGTGTCCACGGCCCGTCCTGGC).
Molecular consequence: splice acceptor variant. On other transcripts: non-coding transcript variant (1).
Genome position (GRCh38, 1-based): chr1:20,648,993-20,649,015, AGGTGTCCACGGCCCGTCCTGGC deleted; deleting any 23 consecutive bases within chr1:20,648,991-20,649,015 gives the same sequence; the c. name uses the placement nearest the transcript's 3' end. VCF-style (leftmost placement, unchanged base first): chr1-20648990-AGCAGGTGTCCACGGCCCGTCCTG-A. GRCh37 (hg19) VCF-style: chr1-20975483-AGCAGGTGTCCACGGCCCGTCCTG-A.
Identifiers: ClinVar variation 2742308 (VCV002742308.4), dbSNP rs748860758, ClinGen allele CA660776.
Genomic context (GRCh38, chr1:20,648,990, plus strand): 5'-TGTGCAGGACATGAAAAGGTTAGATGGGCGGGCAGCGTGATGTCTCACCCACTGCTTCTG[AGCAGGTGTCCACGGCCCGTCCTG>A]GCCCCAGGGCAGTGATTGACTACAGCAAGGCTGATGCCTGGGCAGTGGGAGCCATCGCCT-3'